The following is an entry in ClinVar:

NM_024422.6(DSC2):c.353del (p.Lys118fs)

Gene: DSC2 (desmocollin 2; minus strand). Cytogenetic location: 18q12.1.
Variant type: Deletion.
Coding change: c.353del on transcript NM_024422.6 (MANE Select); coding-DNA position 353, one base deleted (A; older notation c.353delA).
Protein change: p.Lys118fs; shifts the reading frame from lysine 118.
Molecular consequence: frameshift variant. On other transcripts: 5 prime UTR variant (2).
Genome position (GRCh38, 1-based): chr18:31,092,102, T deleted on the plus strand (A on the coding strand, the reverse complement: DSC2 is on the minus strand); the first of 3 consecutive T bases (chr18:31,092,102-31,092,104); deleting any one gives the same sequence. VCF-style (leftmost placement, unchanged base first): chr18-31092101-CT-C. GRCh37 (hg19) VCF-style: chr18-28672064-CT-C.
Other names: c.-77del (NM_001406506.1, NM_001406507.1); c.353del, p.Lys118fs (NM_004949.5); c.353delA (NM_024422.3); short protein forms K118fs.
Identifiers: ClinVar variation 3072530 (VCV003072530.3), dbSNP rs2510955940, ClinGen allele CA2825002675.

ClinVar aggregate classification (germline): Conflicting classifications of pathogenicity. Review status: criteria provided, conflicting classifications (1 of 4 stars). 3 submissions from 3 submitters: Pathogenic (1); Uncertain significance (2). Last evaluated 2026-03-13.

Conditions:
Cardiovascular phenotype. Identifiers: MedGen CN230736.
Cardiomyopathy (CMYO). Also called: Cardiomyopathies. Identifiers: Orphanet 167848, MedGen C0878544, MONDO:0004994, HP:0001638. Inheritance: Various modes of inheritance.
Familial isolated arrhythmogenic right ventricular dysplasia. Identifiers: Orphanet 217656, MedGen C4274968, MONDO:0016342.

Submissions (3):

Ambry Genetics
Classification: Pathogenic for Cardiovascular phenotype. Last evaluated: 2026-03-13. Review status: criteria provided, single submitter. Criteria: Ambry Variant Classification Scheme 2023. Collection method: clinical testing. Allele origin: germline.
Comment: The c.353delA (p.K118Rfs*3) alteration, located in exon 3 (coding exon 3) of the DSC2 gene, consists of a deletion of one nucleotide at position 353, causing a translational frameshift with a predicted alternate stop codon after 3 amino acids. This variant is expected to result in loss of function by premature protein truncation or nonsense-mediated mRNA decay. This variant was not reported in population-based cohorts in the Genome Aggregation Database (gnomAD). Based on the available evidence, this alteration is classified as pathogenic.

Color Diagnostics, LLC DBA Color Health
Classification: Uncertain significance for Cardiomyopathy. Last evaluated: 2025-02-03. Review status: criteria provided, single submitter. Criteria: ACMG Guidelines, 2015. Collection method: clinical testing. Allele origin: germline.
Comment: This variant causes a deletion of 1 nucleotide in exon 3 of the DSC2 gene, creating a frameshift and premature translation stop signal. This variant is expected to result in an absent or non-functional protein product. This variant has not been reported in individuals affected with DSC2-related disorders in the literature. This variant has not been identified in the general population by the Genome Aggregation Database (gnomAD). Although there is a suspicion for a pathogenic role, the clinical relevance of loss-of-function DSC2 truncation and splice variants in autosomal dominant arrhythmogenic cardiomyopathy is not yet clearly established. The available evidence is insufficient to determine the role of this variant in disease conclusively. Therefore, this variant is classified as a Variant of Uncertain Significance.

All of Us Research Program, National Institutes of Health
Classification: Uncertain significance for Familial isolated arrhythmogenic right ventricular dysplasia. Last evaluated: 2023-07-22. Review status: criteria provided, single submitter. Criteria: ACMG Guidelines, 2015. Collection method: clinical testing. Allele origin: germline. Inheritance: Autosomal dominant inheritance. Observed: 1 variant allele, 1 heterozygote.
Comment: This variant causes a deletion of 1 nucleotide in exon 3 of the DSC2 gene, creating a frameshift and premature translation stop signal. This variant is expected to result in an absent or non-functional protein product. This variant has not been reported in individuals affected with DSC2-related disorders in the literature. This variant has not been identified in the general population by the Genome Aggregation Database (gnomAD). Although there is a suspicion for a pathogenic role, the clinical relevance of loss-of-function DSC2 truncation and splice variants in autosomal dominant arrhythmogenic cardiomyopathy is not yet clearly established. The available evidence is insufficient to determine the role of this variant in disease conclusively. Therefore, this variant is classified as a Variant of Uncertain Significance.

This study involves interpretation of variants in research participants for the purpose of population health screening. Participant phenotype was not available at the time of variant classification. Additional details can be found in publication PMID: 35346344, PMCID: PMC8962531